The following is an entry in ClinVar:

ClinVar aggregate classification (germline): Likely pathogenic (1 of 4 stars; one submission).

Submission:

GeneDx
Classification: Likely pathogenic. Last evaluated: 2026-03-23. Review status: criteria provided, single submitter. Criteria: GeneDx Variant Classification Process June 2021. Collection method: clinical testing. Allele origin: germline. Affected: yes.
Comment: Canonical splice site variant predicted to result in an in-frame loss of the adjacent exon in a gene for which loss of function is a known mechanism of disease; Not observed at significant frequency in large population cohorts (gnomAD); Has not been previously published as pathogenic or benign to our knowledge

NM_000531.6(OTC):c.868-2A>T

Gene: OTC (ornithine transcarbamylase; plus strand). Cytogenetic location: Xp11.4.
Variant type: single nucleotide variant.
Coding change: c.868-2A>T on transcript NM_000531.6 (MANE Select); the canonical splice acceptor site of the intron before coding-DNA position 868, A replaced by T.
Molecular consequence: splice acceptor variant.
Genome position (GRCh38, 1-based): chrX:38,411,860, A>T. VCF-style: chrX-38411860-A-T. GRCh37 (hg19) VCF-style: chrX-38271113-A-T.
Other names: c.868-2A>T (NM_001407092.1).
Identifiers: ClinVar variation 423272 (VCV000423272.3), dbSNP rs1064796335, ClinGen allele CA16621370.